The following is an entry in ClinVar:

ClinVar aggregate classification (germline): Uncertain significance (1 of 4 stars; one submission).

Conditions:
Intellectual disability, CASK-related, X-linked. Identifiers: MedGen CN043158.

Submission:

Labcorp Genetics (formerly Invitae), Labcorp
Classification: Uncertain significance for Intellectual disability, CASK-related, X-linked. Last evaluated: 2023-07-30. Review status: criteria provided, single submitter. Criteria: Invitae Variant Classification Sherloc (09022015). Collection method: clinical testing. Allele origin: germline.
Comment: This sequence change replaces cysteine, which is neutral and slightly polar, with tyrosine, which is neutral and polar, at codon 418 of the CASK protein (p.Cys418Tyr). This variant is not present in population databases (gnomAD no frequency). This variant has not been reported in the literature in individuals affected with CASK-related conditions. Advanced modeling of protein sequence and biophysical properties (such as structural, functional, and spatial information, amino acid conservation, physicochemical variation, residue mobility, and thermodynamic stability) has been performed at Invitae for this missense variant, however the output from this modeling did not meet the statistical confidence thresholds required to predict the impact of this variant on CASK protein function. In summary, the available evidence is currently insufficient to determine the role of this variant in disease. Therefore, it has been classified as a Variant of Uncertain Significance.

NM_001367721.1(CASK):c.1253G>A (p.Cys418Tyr)

Gene: CASK (calcium/calmodulin dependent serine protein kinase; minus strand). Cytogenetic location: Xp11.4.
Variant type: single nucleotide variant.
Coding change: c.1253G>A on transcript NM_001367721.1 (MANE Select); coding-DNA position 1253, G replaced by A.
Protein change: p.Cys418Tyr; replaces cysteine 418 with tyrosine.
Molecular consequence: missense variant.
Genome position (GRCh38, 1-based): chrX:41,586,968, C>T on the plus strand (G>A on the coding strand, the complement: CASK is on the minus strand). VCF-style: chrX-41586968-C-T. GRCh37 (hg19) VCF-style: chrX-41446221-C-T.
Other names: c.1253G>A, p.Cys418Tyr (NM_001126054.3, NM_003688.4); c.1235G>A, p.Cys412Tyr (NM_001126055.3, NM_001410745.1); short protein forms C412Y, C418Y.
Identifiers: ClinVar variation 2995984 (VCV002995984.3), dbSNP rs2519844930, ClinGen allele CA412999272.
Genomic context (GRCh38, chrX:41,586,968, plus strand): 5'-ATGAAATGAGGTTGTGTTAAAATACGCTTTAGTTCCTTTGCGTCGTTATTCTCAGGGTAA[C>T]ATGAAATTTCTTCCAATACCTAAAAAATAAACAAGATATACAATAATACAAACATGACAC-3'
Protein context (NP_001354650.1, residues 408-428): RAKEVLEEIS[Cys418Tyr]YPENNDAKEL